The following is an entry in ClinVar:

ClinVar aggregate classification (germline): Uncertain significance. Review status: criteria provided, multiple submitters, no conflicts (2 of 4 stars). 2 submissions from 2 submitters: Uncertain significance (2). Last evaluated 2024-01-20.

Conditions:
Cortical dysplasia-focal epilepsy syndrome (PTHSL1). Also called: Pitt-Hopkins-like syndrome 1. Identifiers: Orphanet 163681, Orphanet 221150, MedGen C2750246, MONDO:0012400, OMIM 610042.

gnomAD v4.1: 1 of 1,614,230 alleles (0.000062%); highest among the groups gnomAD compares: Admixed American, 0.0017%; no homozygotes.

Submissions (2):

GeneDx
Classification: Uncertain significance. Last evaluated: 2024-01-20. Review status: criteria provided, single submitter. Criteria: GeneDx Variant Classification Process June 2021. Collection method: clinical testing. Allele origin: germline. Affected: yes.
Comment: Not observed at significant frequency in large population cohorts (gnomAD); In silico analysis supports that this missense variant does not alter protein structure/function; Has not been previously published as pathogenic or benign to our knowledge

Labcorp Genetics (formerly Invitae), Labcorp
Classification: Uncertain significance for Cortical dysplasia-focal epilepsy syndrome. Last evaluated: 2022-03-23. Review status: criteria provided, single submitter. Criteria: Invitae Variant Classification Sherloc (09022015). Collection method: clinical testing. Allele origin: germline.
Comment: This sequence change replaces threonine, which is neutral and polar, with isoleucine, which is neutral and non-polar, at codon 1197 of the CNTNAP2 protein (p.Thr1197Ile). This variant is present in population databases (rs760790277, gnomAD 0.003%). This variant has not been reported in the literature in individuals affected with CNTNAP2-related conditions. ClinVar contains an entry for this variant (Variation ID: 1321088). Algorithms developed to predict the effect of missense changes on protein structure and function are either unavailable or do not agree on the potential impact of this missense change (SIFT: "Deleterious"; PolyPhen-2: "Benign"; Align-GVGD: "Class C0"). In summary, the available evidence is currently insufficient to determine the role of this variant in disease. Therefore, it has been classified as a Variant of Uncertain Significance.

NM_014141.6(CNTNAP2):c.3590C>T (p.Thr1197Ile)

Gene: CNTNAP2 (contactin associated protein 2; plus strand). Cytogenetic location: 7q36.1.
Variant type: single nucleotide variant.
Coding change: c.3590C>T on transcript NM_014141.6 (MANE Select); coding-DNA position 3590, C replaced by T.
Protein change: p.Thr1197Ile; replaces threonine 1197 with isoleucine.
Molecular consequence: missense variant.
Genome position (GRCh38, 1-based): chr7:148,383,763, C>T. VCF-style: chr7-148383763-C-T. GRCh37 (hg19) VCF-style: chr7-148080855-C-T.
Other names: short protein forms T1197I.
Identifiers: ClinVar variation 1321088 (VCV001321088.4), dbSNP rs760790277, ClinGen allele CA4546702.